The following is an entry in ClinVar:

ClinVar aggregate classification (germline): Uncertain significance. Review status: criteria provided, single submitter (1 of 4 stars). 2 submissions from 2 submitters: Uncertain significance (1). 1 of the submissions does not count toward it. Last evaluated 2023-07-04.

Conditions:
Autosomal dominant nonsyndromic hearing loss 4A. Also called: Deafness, autosomal dominant 4A. Identifiers: Orphanet 90635, MedGen C1833503, MONDO:0010915, OMIM 600652.

Allele frequency attached by ClinVar (database versions not stated): gnomAD exomes below 0.00001; ExAC 0.00002.

Submissions (2):

GeneDx
Classification: Uncertain significance. Last evaluated: 2023-07-04. Review status: criteria provided, single submitter. Criteria: GeneDx Variant Classification Process June 2021. Collection method: clinical testing. Allele origin: germline. Affected: yes.
Comment: Reported in two individuals belonging to the same family with hearing loss in published literature (Donaudy et al., 2004); Not observed at significant frequency in large population cohorts (gnomAD); In silico analysis supports that this missense variant has a deleterious effect on protein structure/function; This variant is associated with the following publications: (PMID: 31589614, 18776598, 34681017, 28221712, 25072053, 15015131, 27875632, 25098841)

OMIM
Classification: Pathogenic for DEAFNESS, AUTOSOMAL DOMINANT 4A. Last evaluated: 2004-04-01. Review status: no assertion criteria provided. Collection method: literature only. Allele origin: germline. Not counted in ClinVar's aggregate classification.

Literature cited by the submitters: PubMed 15015131 (cited by OMIM).

NM_001145809.2(MYH14):c.3049C>T (p.Leu1017Phe)

Gene: MYH14 (myosin heavy chain 14; plus strand). Cytogenetic location: 19q13.33.
Variant type: single nucleotide variant.
Coding change: c.3049C>T on transcript NM_001145809.2 (MANE Select); coding-DNA position 3049, C replaced by T.
Protein change: p.Leu1017Phe; replaces leucine 1017 with phenylalanine.
Molecular consequence: missense variant.
Genome position (GRCh38, 1-based): chr19:50,271,424, C>T. VCF-style: chr19-50271424-C-T. GRCh37 (hg19) VCF-style: chr19-50774681-C-T.
Other names: c.2926C>T (NM_024729.3); c.2950C>T, p.Leu984Phe (NM_001077186.2); c.2926C>T, p.Leu976Phe (NM_024729.4); short protein forms L976F, L1017F, L984F.
Identifiers: ClinVar variation 2197 (VCV000002197.2), dbSNP rs28940306, ClinGen allele CA252133.
Genomic context (GRCh38, chr19:50,271,424, plus strand): 5'-ATCTATTGGCCCAGTATCCTCACTCCTCCTGCCTTCCCACCCCAGGAGCTAGAGGCCCAC[C>T]TTGAGGCTGAGGAGGGTGCGCGGCAGAAGCTGCAGCTGGAGAAGGTGACGACAGAGGCAA-3'
Protein context (NP_001139281.1, residues 1007-1027): QQHIQELEAH[Leu1017Phe]EAEEGARQKL